The following is an entry in ClinVar:

ClinVar aggregate classification (germline): Likely benign (1 of 4 stars; one submission).

gnomAD v4.1: 270 of 1,614,024 alleles (0.017%); highest among the groups gnomAD compares: Middle Eastern, 0.033%; no homozygotes.

Submission:

CeGaT Center for Human Genetics Tuebingen
Classification: Likely benign. Last evaluated: 2026-02-01. Review status: criteria provided, single submitter. Criteria: CeGaT Center For Human Genetics Tuebingen Variant Classification Criteria Version 2. Collection method: clinical testing. Allele origin: germline. Affected: yes. Observed: 1 variant allele.
Comment: GBF1: BP4, BP7

NM_001377137.1(GBF1):c.4323C>T (p.His1441=)

Gene: GBF1 (golgi brefeldin A resistant guanine nucleotide exchange factor 1; plus strand). Cytogenetic location: 10q24.32.
Variant type: single nucleotide variant.
Coding change: c.4323C>T on transcript NM_001377137.1 (MANE Select); coding-DNA position 4323, C replaced by T.
Protein change: p.His1441=; no amino-acid change (histidine 1441 retained).
Molecular consequence: synonymous variant. On other transcripts: non-coding transcript variant (5).
Genome position (GRCh38, 1-based): chr10:102,376,969, C>T. VCF-style: chr10-102376969-C-T. GRCh37 (hg19) VCF-style: chr10-104136726-C-T.
Other names: c.4323C>T, p.His1441= (NM_001199378.2, NM_001391923.1); c.4320C>T, p.His1440= (NM_001199379.2, NM_001377141.1, NM_001391924.1 and 3 more transcripts); c.4284C>T, p.His1428= (NM_001377138.1, NM_001391925.1); c.4026C>T, p.His1342= (NM_001377139.1, NM_001377140.1); c.4419C>T, p.His1473= (NM_001391922.1, NM_001411027.1); c.4287C>T, p.His1429= (NM_001391926.1); c.4179C>T, p.His1393= (NM_001391928.1); c.4083C>T, p.His1361= (NM_001391929.1); and 2 more.
Identifiers: ClinVar variation 4821015 (VCV004821015.4).
Genomic context (GRCh38, chr10:102,376,969, plus strand): 5'-TGTGACCTGAGTCTGGCTCTGCTCAGGATGCAAGTCCCAGGAGAAACGTGGCAAGAGTCA[C>T]AAATATGACAGCAAAGGGAACCGCTTCAAGAAGAAATCCAAAGAGGGATCAATGCTTCGC-3'
Protein context (NP_001364066.1, residues 1431-1451): CKSQEKRGKS[His1441=]KYDSKGNRFK